The following is an entry in ClinVar:

ClinVar aggregate classification (germline): Uncertain significance. Review status: criteria provided, multiple submitters, no conflicts (2 of 4 stars). 2 submissions from 2 submitters: Uncertain significance (2). Last evaluated 2025-10-23.

Conditions:
KIDINS220-related disorder. Also called: KIDINS220-related condition.
Inborn genetic diseases. Identifiers: MedGen C0950123, MeSH D030342.

gnomAD v4.1: 2 of 1,614,258 alleles (0.00012%); highest among the groups gnomAD compares: African/African-American, 0.0013%; no homozygotes.

Submissions (2):

PreventionGenetics, part of Exact Sciences
Classification: Uncertain significance for KIDINS220-related condition. Last evaluated: 2025-10-23. Review status: criteria provided, single submitter. Criteria: ACMG Guidelines, 2015. Collection method: clinical testing. Allele origin: germline.
Comment: The KIDINS220 c.5080A>G variant is predicted to result in the amino acid substitution p.Arg1694Gly. To our knowledge, this variant has not been reported in the literature or in gnomAD, indicating this variant is rare. At this time, the clinical significance of this variant is uncertain due to the absence of conclusive functional and genetic evidence.

Ambry Genetics
Classification: Uncertain significance for Inborn genetic diseases. Last evaluated: 2024-12-04. Review status: criteria provided, single submitter. Criteria: Ambry Variant Classification Scheme 2023. Collection method: clinical testing. Allele origin: germline.

NM_020738.4(KIDINS220):c.5080A>G (p.Arg1694Gly)

Gene: KIDINS220 (kinase D interacting substrate 220; minus strand). Cytogenetic location: 2p25.1.
Variant type: single nucleotide variant.
Coding change: c.5080A>G on transcript NM_020738.4 (MANE Select); coding-DNA position 5080, A replaced by G.
Protein change: p.Arg1694Gly; replaces arginine 1694 with glycine.
Molecular consequence: missense variant. On other transcripts: intron variant (6).
Genome position (GRCh38, 1-based): chr2:8,730,956, T>C on the plus strand (A>G on the coding strand, the complement: KIDINS220 is on the minus strand). VCF-style: chr2-8730956-T-C. GRCh37 (hg19) VCF-style: chr2-8871086-T-C.
Other names: c.5083A>G, p.Arg1695Gly (NM_001348729.2); c.5026A>G, p.Arg1676Gly (NM_001348731.2); c.5023A>G, p.Arg1675Gly (NM_001348732.2); c.4912A>G, p.Arg1638Gly (NM_001348734.2); c.4909A>G, p.Arg1637Gly (NM_001348735.2); c.4783A>G, p.Arg1595Gly (NM_001348736.2); c.3882+2488A>G (NM_001348741.2, NM_001348742.2, NM_001348743.2); c.3996+2488A>G (NM_001348738.2); and 1 more; short protein forms R1595G, R1637G, R1638G, R1675G, R1676G, R1694G, R1695G.
Identifiers: ClinVar variation 3348695 (VCV003348695.3).